The following is an entry in ClinVar:

NM_000077.5(CDKN2A):c.18G>A (p.Gly6=)

Gene: CDKN2A (cyclin dependent kinase inhibitor 2A; minus strand). Cytogenetic location: 9p21.3.
Variant type: single nucleotide variant.
Coding change: c.18G>A on transcript NM_000077.5; coding-DNA position 18, G replaced by A.
Protein change: p.Gly6=; no amino-acid change (glycine 6 retained).
Molecular consequence: synonymous variant (on NM_000077.6). On other transcripts: intron variant (2).
Genome position (GRCh38, 1-based): chr9:21,974,810, C>T on the plus strand (G>A on the coding strand, the complement: CDKN2A is on the minus strand). VCF-style: chr9-21974810-C-T. GRCh37 (hg19) VCF-style: chr9-21974809-C-T.
Other names: c.18G>A, p.Gly6= (NM_000077.6, NM_001195132.2, NM_058197.5); c.-3-3602G>A (NM_001363763.2); c.194-3602G>A (NM_058195.4).
Identifiers: ClinVar variation 2181783 (VCV002181783.7), dbSNP rs1819965928, ClinGen allele CA464100210.

ClinVar aggregate classification (germline): Benign/Likely benign. Review status: criteria provided, multiple submitters, no conflicts (2 of 4 stars). 3 submissions from 3 submitters: Benign (1); Likely benign (2). Last evaluated 2025-08-13.

Conditions:
Familial melanoma. Also called: Hereditary melanoma; Hereditary cutaneous melanoma. Identifiers: Orphanet 618, MedGen C1512419, MONDO:0018961.
Melanoma-pancreatic cancer syndrome. Identifiers: Orphanet 404560, MedGen C1838547, MONDO:0011713, OMIM 606719. Disease mechanism: loss of function.
Hereditary cancer-predisposing syndrome. Also called: Hereditary Cancer Syndrome; Neoplastic Syndromes, Hereditary; Tumor predisposition; Hereditary neoplastic syndrome. Identifiers: Orphanet 140162, MedGen C0027672, MeSH D009386, MONDO:0015356.

Submissions (3):

Myriad Genetics, Inc.
Classification: Benign for Melanoma-pancreatic cancer syndrome. Last evaluated: 2025-08-13. Review status: criteria provided, single submitter. Criteria: Myriad Autosomal Dominant, Autosomal Recessive and X-Linked Classification Criteria (2023). Collection method: clinical testing. Allele origin: unknown.
Comment: This variant is considered benign. This variant is a silent/synonymous amino acid change and it is not expected to impact splicing.

Ambry Genetics
Classification: Likely benign for Hereditary cancer-predisposing syndrome. Last evaluated: 2023-06-24. Review status: criteria provided, single submitter. Criteria: Ambry Variant Classification Scheme 2023. Collection method: clinical testing. Allele origin: germline.

Labcorp Genetics (formerly Invitae), Labcorp
Classification: Likely benign for Familial melanoma. Last evaluated: 2023-02-15. Review status: criteria provided, single submitter. Criteria: Invitae Variant Classification Sherloc (09022015). Collection method: clinical testing. Allele origin: germline.